The following is an entry in ClinVar:

ClinVar aggregate classification (germline): Pathogenic (1 of 4 stars; one submission).

Conditions:
Hereditary cancer-predisposing syndrome. Also called: Neoplastic Syndromes, Hereditary; Tumor predisposition; Hereditary neoplastic syndrome; Hereditary Cancer Syndrome. Identifiers: Orphanet 140162, MedGen C0027672, MeSH D009386, MONDO:0015356.

Submission:

Ambry Genetics
Classification: Pathogenic for Hereditary cancer-predisposing syndrome. Last evaluated: 2024-05-24. Review status: criteria provided, single submitter. Criteria: Ambry Variant Classification Scheme 2023. Collection method: clinical testing. Allele origin: germline.
Comment: The c.1867delG pathogenic mutation, located in coding exon 17 of the TSC2 gene, results from a deletion of one nucleotide at nucleotide position 1867, causing a translational frameshift with a predicted alternate stop codon (p.A623Pfs*75). This variant is considered to be rare based on population cohorts in the Genome Aggregation Database (gnomAD). This alteration is expected to result in loss of function by premature protein truncation or nonsense-mediated mRNA decay. As such, this alteration is interpreted as a disease-causing mutation.

NM_000548.5(TSC2):c.1867del (p.Ala623fs)

Gene: TSC2 (TSC complex subunit 2; plus strand). Cytogenetic location: 16p13.3.
Variant type: Deletion.
Coding change: c.1867del on transcript NM_000548.5 (MANE Select); coding-DNA position 1867, one base deleted (G; older notation c.1867delG).
Protein change: p.Ala623fs; shifts the reading frame from alanine 623.
Molecular consequence: frameshift variant. On other transcripts: non-coding transcript variant (5).
Genome position (GRCh38, 1-based): chr16:2,071,537, G deleted; the last of 3 consecutive G bases (chr16:2,071,535-2,071,537); deleting any one gives the same sequence. VCF-style (leftmost placement, unchanged base first): chr16-2071534-CG-C. GRCh37 (hg19) VCF-style: chr16-2121535-CG-C.
Other names: c.1867del, p.Ala623fs (NM_001077183.3, NM_001406665.1, NM_001114382.3 and 6 more transcripts); c.1957del, p.Ala653fs (NM_001406667.1, NM_001406668.1); c.1756del, p.Ala586fs (NM_001406670.1, NM_001406678.1, NM_001318827.2); c.1855del, p.Ala619fs (NM_001406671.1, NM_001406673.1); c.1720del, p.Ala574fs (NM_001406675.1, NM_001406676.1, NM_001406679.1 and 1 more transcripts); c.1810del, p.Ala604fs (NM_001406677.1); c.1267del, p.Ala423fs (NM_001406680.1, NM_001406682.1, NM_001406683.1 and 6 more transcripts); c.1405del, p.Ala469fs (NM_001406681.1); and 3 more; short protein forms A469fs, A574fs, A604fs, A634fs, A653fs, A89fs, A423fs, A623fs.
Identifiers: ClinVar variation 3329510 (VCV003329510.1).